The following is an entry in ClinVar:

NM_007294.3(BRCA1):c.4186-?_4986+?del

Gene: BRCA1 (BRCA1 DNA repair associated; minus strand). Cytogenetic location: 17q21.31.
Variant type: Deletion.
Coding change: c.4186-?_4986+?del on transcript NM_007294.3.
Other names: Deletion Exons 12-15; c.4186-?_4986+?del (LRG_292t1).
Identifiers: ClinVar variation 89062 (VCV000089062.3).

ClinVar aggregate classification (germline): Pathogenic (1 of 4 stars; one submission).

Conditions:
Familial cancer of breast. Also called: Hereditary breast cancer; hereditary breast carcinoma; BREAST CANCER, FAMILIAL. Identifiers: Orphanet 227535, MedGen C0346153, MONDO:0016419, OMIM 114480. Disease mechanism: loss of function.

Submission:

GeneDx
Classification: Pathogenic for Familial cancer of breast. Review status: criteria provided, single submitter. Criteria: GeneDx Variant Classification (06012015). Collection method: clinical testing. Allele origin: germline.
Comment: Deletion that includes exons 12-15 of the BRCA1 gene; Not previously reported; large deletions or duplications have been reported in approximately 6-10% of individuals with BRCA-associated Hereditary Breast and Ovarian Cancer syndrome (Judkins 2012, Walsh 2006)